The following is an entry in ClinVar:

NM_001378454.1(ALMS1):c.8324A>G (p.Lys2775Arg)

Gene: ALMS1 (ALMS1 centrosome and basal body associated protein; plus strand). Cytogenetic location: 2p13.1.
Variant type: single nucleotide variant.
Coding change: c.8324A>G on transcript NM_001378454.1 (MANE Select); coding-DNA position 8324, A replaced by G.
Protein change: p.Lys2775Arg; replaces lysine 2775 with arginine.
Molecular consequence: missense variant.
Genome position (GRCh38, 1-based): chr2:73,490,283, A>G. VCF-style: chr2-73490283-A-G. GRCh37 (hg19) VCF-style: chr2-73717410-A-G.
Other names: c.8327A>G, p.Lys2776Arg (NM_015120.4); short protein forms K2776R, K2775R.
Identifiers: ClinVar variation 2091595 (VCV002091595.6), dbSNP rs2466215323, ClinGen allele CA347268252.

ClinVar aggregate classification (germline): Uncertain significance. Review status: criteria provided, multiple submitters, no conflicts (2 of 4 stars). 2 submissions from 2 submitters: Uncertain significance (2). Last evaluated 2023-06-12.

Conditions:
Cardiovascular phenotype. Identifiers: MedGen CN230736.
Alstrom syndrome (ALMS). Identifiers: Orphanet 64, MedGen C0268425, MONDO:0008763, OMIM 203800.

Submissions (2):

Ambry Genetics
Classification: Uncertain significance for Cardiovascular phenotype. Last evaluated: 2023-06-12. Review status: criteria provided, single submitter. Criteria: Ambry Variant Classification Scheme 2023. Collection method: clinical testing. Allele origin: germline.
Comment: The p.K2776R variant (also known as c.8327A>G), located in coding exon 10 of the ALMS1 gene, results from an A to G substitution at nucleotide position 8327. The lysine at codon 2776 is replaced by arginine, an amino acid with highly similar properties. This amino acid position is well conserved in available vertebrate species. In addition, this alteration is predicted to be tolerated by in silico analysis. Since supporting evidence is limited at this time, the clinical significance of this alteration remains unclear.

Labcorp Genetics (formerly Invitae), Labcorp
Classification: Uncertain significance for Alstrom syndrome. Last evaluated: 2022-02-01. Review status: criteria provided, single submitter. Criteria: Invitae Variant Classification Sherloc (09022015). Collection method: clinical testing. Allele origin: germline.
Comment: This variant is not present in population databases (gnomAD no frequency). This sequence change replaces lysine, which is basic and polar, with arginine, which is basic and polar, at codon 2776 of the ALMS1 protein (p.Lys2776Arg). This variant has not been reported in the literature in individuals affected with ALMS1-related conditions. Experimental studies and prediction algorithms are not available or were not evaluated, and the functional significance of this variant is currently unknown. In summary, the available evidence is currently insufficient to determine the role of this variant in disease. Therefore, it has been classified as a Variant of Uncertain Significance.